The following is an entry in ClinVar:

NM_005876.5(SPEG):c.4926G>A (p.Ala1642=)

Gene: SPEG (striated muscle enriched protein kinase; plus strand). Cytogenetic location: 2q35.
Variant type: single nucleotide variant.
Coding change: c.4926G>A on transcript NM_005876.5 (MANE Select); coding-DNA position 4926, G replaced by A.
Protein change: p.Ala1642=; no amino-acid change (alanine 1642 retained).
Molecular consequence: synonymous variant.
Genome position (GRCh38, 1-based): chr2:219,478,004, G>A. VCF-style: chr2-219478004-G-A. GRCh37 (hg19) VCF-style: chr2-220342726-G-A.
Other names: p.Ala1642=.
Identifiers: ClinVar variation 1992011 (VCV001992011.6), dbSNP rs762565197, ClinGen allele CA2126672.

ClinVar aggregate classification (germline): Likely benign. Review status: criteria provided, multiple submitters, no conflicts (2 of 4 stars). 3 submissions from 3 submitters: Likely benign (3). Last evaluated 2025-12-06.

Allele frequency attached by ClinVar (database versions not stated): gnomAD 0.00001; TOPMed 0.00001; gnomAD exomes 0.00003.
gnomAD v4.1: 50 of 1,614,096 alleles (0.0031%); highest among the groups gnomAD compares: Non-Finnish European, 0.0036%; no homozygotes.

Submissions (3):

Mayo Clinic Laboratories, Mayo Clinic
Classification: Likely benign. Last evaluated: 2025-12-06. Review status: criteria provided, single submitter. Criteria: ACMG Guidelines, 2015. Collection method: clinical testing. Allele origin: germline. Observed: 1 variant allele.
Comment: BP4, BP7

Labcorp Genetics (formerly Invitae), Labcorp
Classification: Likely benign. Last evaluated: 2025-02-02. Review status: criteria provided, single submitter. Criteria: Invitae Variant Classification Sherloc (09022015). Collection method: clinical testing. Allele origin: germline.

Blueprint Genetics
Classification: Likely benign. Last evaluated: 2024-10-03. Review status: criteria provided, single submitter. Criteria: ACMG Guidelines, 2015. Collection method: clinical testing. Allele origin: germline.